The following is an entry in ClinVar:

NM_006269.2(RP1):c.1361T>G (p.Leu454Arg)

Gene: RP1 (RP1 axonemal microtubule associated; plus strand). Cytogenetic location: 8q12.1.
Variant type: single nucleotide variant.
Coding change: c.1361T>G on transcript NM_006269.2 (MANE Select); coding-DNA position 1361, T replaced by G.
Protein change: p.Leu454Arg; replaces leucine 454 with arginine.
Molecular consequence: missense variant. On other transcripts: intron variant (1).
Genome position (GRCh38, 1-based): chr8:54,625,243, T>G. VCF-style: chr8-54625243-T-G. GRCh37 (hg19) VCF-style: chr8-55537803-T-G.
Other names: c.787+2955T>G (NM_001375654.1); short protein forms L454R.
Identifiers: ClinVar variation 954658 (VCV000954658.9), dbSNP rs781361064, ClinGen allele CA4751363.

ClinVar aggregate classification (germline): Uncertain significance (1 of 4 stars; one submission).

Allele frequency attached by ClinVar (database versions not stated): gnomAD exomes 0.00001; TOPMed 0.00001; ExAC 0.00002.
gnomAD v4.1: 6 of 1,614,160 alleles (0.00037%); highest among the groups gnomAD compares: Non-Finnish European, 0.00051%; no homozygotes.

Submission:

Labcorp Genetics (formerly Invitae), Labcorp
Classification: Uncertain significance. Last evaluated: 2020-02-22. Review status: criteria provided, single submitter. Criteria: Invitae Variant Classification Sherloc (09022015). Collection method: clinical testing. Allele origin: germline.
Comment: This sequence change replaces leucine with arginine at codon 454 of the RP1 protein (p.Leu454Arg). The leucine residue is weakly conserved and there is a moderate physicochemical difference between leucine and arginine. The frequency data for this variant in the population databases is considered unreliable, as metrics indicate poor data quality at this position in the ExAC database. This variant has not been reported in the literature in individuals with RP1-related conditions. Algorithms developed to predict the effect of missense changes on protein structure and function (SIFT, PolyPhen-2, Align-GVGD) all suggest that this variant is likely to be tolerated, but these predictions have not been confirmed by published functional studies and their clinical significance is uncertain. In summary, the available evidence is currently insufficient to determine the role of this variant in disease. Therefore, it has been classified as a Variant of Uncertain Significance.